The following is an entry in ClinVar:

NM_138694.4(PKHD1):c.11696A>G (p.Gln3899Arg)

Gene: PKHD1 (PKHD1 ciliary IPT domain containing fibrocystin/polyductin; minus strand). Cytogenetic location: 6p12.3.
Variant type: single nucleotide variant.
Coding change: c.11696A>G on transcript NM_138694.4 (MANE Select); coding-DNA position 11696, A replaced by G.
Protein change: p.Gln3899Arg; replaces glutamine 3899 with arginine.
Molecular consequence: missense variant.
Genome position (GRCh38, 1-based): chr6:51,627,086, T>C on the plus strand (A>G on the coding strand, the complement: PKHD1 is on the minus strand). VCF-style: chr6-51627086-T-C. GRCh37 (hg19) VCF-style: chr6-51491884-T-C.
Other names: short protein forms Q3899R.
Identifiers: ClinVar variation 96372 (VCV000096372.37), dbSNP rs4715227, ClinGen allele CA149480.

ClinVar aggregate classification (germline): Benign. Review status: criteria provided, multiple submitters, no conflicts (2 of 4 stars). 11 submissions from 11 submitters: Benign (9). 2 of the submissions do not count toward it. Last evaluated 2026-02-04.

Conditions:
Polycystic kidney disease 4 (PKD4). Also called: POLYCYSTIC KIDNEY AND HEPATIC DISEASE 1; POLYCYSTIC KIDNEY DISEASE, INFANTILE, TYPE I; POLYCYSTIC KIDNEY DISEASE 4 WITH OR WITHOUT POLYCYSTIC LIVER DISEASE; Autosomal Recessive Polycystic Kidney Disease – PKHD1; PKD3. Identifiers: MedGen C4540575, MONDO:0033004, OMIM 263200.
Autosomal recessive polycystic kidney disease (ARPKD). Also called: AR polycystic kidney disease. Identifiers: Orphanet 731, Orphanet 8378, MedGen C0085548, MeSH D017044, MONDO:0009889.
Polycystic kidney disease. Also called: Polycystic kidney dysplasia; Kidney, Polycystic. Identifiers: MedGen C0022680, MeSH D007690, MONDO:0020642, HP:0000113.

Allele frequency attached by ClinVar (database versions not stated): ESP Exome Variant Server 0.52360; gnomAD 0.52431 and 0.52966; 1000 Genomes Project 30x 0.55200; 1000 Genomes Project 0.55331; ExAC 0.55504; gnomAD exomes 0.55853 and 0.55205; TOPMed 0.53217.

Submissions (11):

Labcorp Genetics (formerly Invitae), Labcorp
Classification: Benign for Autosomal recessive polycystic kidney disease. Last evaluated: 2026-02-04. Review status: criteria provided, single submitter. Criteria: Invitae Variant Classification Sherloc (09022015). Collection method: clinical testing. Allele origin: germline.

Blueprint Genetics
Classification: Benign. Last evaluated: 2024-11-27. Review status: criteria provided, single submitter. Criteria: ACMG Guidelines, 2015. Collection method: clinical testing. Allele origin: germline.

Mayo Clinic Laboratories, Mayo Clinic
Classification: Benign. Last evaluated: 2022-03-09. Review status: criteria provided, single submitter. Criteria: ACMG Guidelines, 2015. Collection method: clinical testing. Allele origin: germline. Observed: 607 variant alleles.

Genome-Nilou Lab
Classification: Benign for Polycystic kidney disease 4. Last evaluated: 2021-09-05. Review status: criteria provided, single submitter. Criteria: ACMG Guidelines, 2015. Collection method: clinical testing. Allele origin: germline. Affected: no.

Pars Genome Lab
Classification: Benign for Polycystic kidney disease 4. Last evaluated: 2021-06-19. Review status: criteria provided, single submitter. Criteria: ACMG Guidelines, 2015. Collection method: clinical testing. Allele origin: germline. Affected: no.

GeneDx
Classification: Benign. Last evaluated: 2018-07-09. Review status: criteria provided, single submitter. Criteria: GeneDx Variant Classification Process June 2021. Collection method: clinical testing. Allele origin: germline. Affected: yes.

Illumina Laboratory Services, Illumina
Classification: Benign for Polycystic kidney disease 4. Last evaluated: 2018-01-12. Review status: criteria provided, single submitter. Criteria: ICSL Variant Classification Criteria 13 December 2019. Collection method: clinical testing. Allele origin: germline.
Comment: This variant was observed in the ICSL laboratory as part of a predisposition screen in an ostensibly healthy population. It had not been previously curated by ICSL or reported in the Human Gene Mutation Database (HGMD: prior to June 1st, 2018), and was therefore a candidate for classification through an automated scoring system. Utilizing variant allele frequency, disease prevalence and penetrance estimates, and inheritance mode, an automated score was calculated to assess if this variant is too frequent to cause the disease. Based on the score and internal cut-off values, a variant classified as benign is not then subjected to further curation. The score for this variant resulted in a classification of benign for this disease.

Eurofins Ntd Llc (ga)
Classification: Benign. Last evaluated: 2015-10-27. Review status: criteria provided, single submitter. Criteria: EGL Classification Definitions 2015. Collection method: clinical testing. Allele origin: germline. Observed: 137 variant alleles, 84 heterozygotes, 53 homozygotes.

PreventionGenetics, part of Exact Sciences
Classification: Benign. Review status: criteria provided, single submitter. Criteria: ACMG Guidelines, 2015. Collection method: clinical testing. Allele origin: germline.

Natera, Inc.
Classification: Benign for Autosomal recessive polycystic kidney disease. Last evaluated: 2017-05-11. Review status: no assertion criteria provided. Collection method: clinical testing. Allele origin: germline. Not counted in ClinVar's aggregate classification.

Department of Pathology and Laboratory Medicine, Sinai Health System
Classification: Benign for Polycystic Kidney disease. Review status: no assertion criteria provided. Collection method: clinical testing. Allele origin: unknown. Affected: yes. Study: The Canadian Open Genetics Repository (COGR). Not counted in ClinVar's aggregate classification.
Comment: The c.11696A>G, p.Gln3899Arg variant was identified in 55.5% of 67337 control alleles in the Exome Aggregation Consortium (March 14, 2016). According to ACMG guidelines for variant classification based on allele frequency, category BA1, this variant is considered benign and has not been further reviewed (Richards 2015).